The following is an entry in ClinVar:

ClinVar aggregate classification (germline): Uncertain significance (1 of 4 stars; one submission).

gnomAD v4.1: 1 of 1,613,912 alleles (0.000062%); highest among the groups gnomAD compares: African/African-American, 0.0013%; no homozygotes.

Submission:

GeneDx
Classification: Uncertain significance. Last evaluated: 2024-04-18. Review status: criteria provided, single submitter. Criteria: GeneDx Variant Classification Process June 2021. Collection method: clinical testing. Allele origin: germline. Affected: yes.
Comment: Not observed at significant frequency in large population cohorts (gnomAD); In silico analysis supports that this missense variant has a deleterious effect on protein structure/function; Has not been previously published as pathogenic or benign to our knowledge

NM_020987.5(ANK3):c.10004A>C (p.Lys3335Thr)

Gene: ANK3 (ankyrin 3; minus strand). Cytogenetic location: 10q21.2.
Variant type: single nucleotide variant.
Coding change: c.10004A>C on transcript NM_020987.5 (MANE Select); coding-DNA position 10004, A replaced by C.
Protein change: p.Lys3335Thr; replaces lysine 3335 with threonine.
Molecular consequence: missense variant. On other transcripts: intron variant (4).
Genome position (GRCh38, 1-based): chr10:60,070,877, T>G on the plus strand (A>C on the coding strand, the complement: ANK3 is on the minus strand). VCF-style: chr10-60070877-T-G. GRCh37 (hg19) VCF-style: chr10-61830635-T-G.
Other names: c.4388-2868A>C (NM_001204403.2); c.4409-2868A>C (NM_001204404.2); c.4406-2868A>C (NM_001320874.2); c.1808-2868A>C (NM_001149.4); short protein forms K3335T.
Identifiers: ClinVar variation 3372752 (VCV003372752.1).